The following is an entry in ClinVar:

NM_130384.3(ATRIP):c.2020C>G (p.Pro674Ala)

Genes: ATRIP (ATR interacting protein; plus strand), ATRIP-TREX1 (ATRIP-TREX1 readthrough; plus strand). Cytogenetic location: 3p21.31.
Variant type: single nucleotide variant.
Coding change: c.2020C>G on transcript NM_130384.3 (MANE Select); coding-DNA position 2020, C replaced by G.
Protein change: p.Pro674Ala; replaces proline 674 with alanine.
Molecular consequence: missense variant. On other transcripts: non-coding transcript variant (1), intron variant (1).
Genome position (GRCh38, 1-based): chr3:48,464,627, C>G. VCF-style: chr3-48464627-C-G. GRCh37 (hg19) VCF-style: chr3-48506026-C-G.
Other names: c.1639C>G, p.Pro547Ala (NM_001271022.2); c.1741C>G, p.Pro581Ala (NM_001271023.2); c.1975-204C>G (NM_032166.4); short protein forms P581A, P547A, P674A.
Identifiers: ClinVar variation 4182483 (VCV004182483.1).

ClinVar aggregate classification (germline): Uncertain significance (1 of 4 stars; one submission).

Submission:

Ambry Genetics
Classification: Uncertain significance. Last evaluated: 2025-08-14. Review status: criteria provided, single submitter. Criteria: Ambry Variant Classification Scheme 2023. Collection method: clinical testing. Allele origin: germline.
Comment: The p.P674A variant (also known as c.2020C>G), located in coding exon 11 of the ATRIP gene, results from a C to G substitution at nucleotide position 2020. The proline at codon 674 is replaced by alanine, an amino acid with highly similar properties. This amino acid position is conserved. In addition, this alteration is predicted to be tolerated by in silico analysis. Based on the available evidence, the clinical significance of this variant remains unclear.